The following is an entry in ClinVar:

ClinVar aggregate classification (germline): Uncertain significance (1 of 4 stars; one submission).

Conditions:
Inborn genetic diseases. Identifiers: MedGen C0950123, MeSH D030342.

Submission:

Ambry Genetics
Classification: Uncertain significance for Inborn genetic diseases. Last evaluated: 2022-11-24. Review status: criteria provided, single submitter. Criteria: Ambry Variant Classification Scheme 2023. Collection method: clinical testing. Allele origin: germline.
Comment: The p.K1476Q variant (also known as c.4426A>C), located in coding exon 25 of the ATR gene, results from an A to C substitution at nucleotide position 4426. The lysine at codon 1476 is replaced by glutamine, an amino acid with similar properties. This amino acid position is conserved. In addition, this alteration is predicted to be tolerated by in silico analysis. Since supporting evidence is limited at this time, the clinical significance of this alteration remains unclear.

NM_001184.4(ATR):c.4426A>C (p.Lys1476Gln)

Gene: ATR (ATR checkpoint kinase; minus strand). Cytogenetic location: 3q23.
Variant type: single nucleotide variant.
Coding change: c.4426A>C on transcript NM_001184.4 (MANE Select); coding-DNA position 4426, A replaced by C.
Protein change: p.Lys1476Gln; replaces lysine 1476 with glutamine.
Molecular consequence: missense variant.
Genome position (GRCh38, 1-based): chr3:142,515,472, T>G on the plus strand (A>C on the coding strand, the complement: ATR is on the minus strand). VCF-style: chr3-142515472-T-G. GRCh37 (hg19) VCF-style: chr3-142234314-T-G.
Other names: c.4234A>C, p.Lys1412Gln (NM_001354579.2); short protein forms K1412Q, K1476Q.
Identifiers: ClinVar variation 2453531 (VCV002453531.2), dbSNP rs2473232330, ClinGen allele CA354798435.